The following is an entry in ClinVar:

NM_130837.3(OPA1):c.32+24C>G

Gene: OPA1 (OPA1 mitochondrial dynamin like GTPase; plus strand). Cytogenetic location: 3q29.
Variant type: single nucleotide variant.
Coding change: c.32+24C>G on transcript NM_130837.3 (MANE Select); 24 bases into the intron after coding-DNA position 32, C replaced by G.
Molecular consequence: intron variant.
Genome position (GRCh38, 1-based): chr3:193,593,433, C>G. VCF-style: chr3-193593433-C-G. GRCh37 (hg19) VCF-style: chr3-193311222-C-G.
Other names: c.-399+24C>G (NM_001354664.2, NM_001354663.2); c.32+24C>G (NM_130834.3, NM_130836.3, NM_015560.3 and 4 more transcripts).
Identifiers: ClinVar variation 2230739 (VCV002230739.2), dbSNP rs751305897, ClinGen allele CA2758893.

ClinVar aggregate classification (germline): Uncertain significance (1 of 4 stars; one submission).

Conditions:
Inborn genetic diseases. Identifiers: MedGen C0950123, MeSH D030342.

Allele frequency attached by ClinVar (database versions not stated): ExAC 0.00005; TOPMed 0.00005; gnomAD 0.00006; gnomAD exomes 0.00011.
gnomAD v4.1: 155 of 1,517,672 alleles (0.01%); highest among the groups gnomAD compares: Non-Finnish European, 0.013%; no homozygotes.

Submission:

Ambry Genetics
Classification: Uncertain significance for Inborn genetic diseases. Last evaluated: 2021-05-10. Review status: criteria provided, single submitter. Criteria: Ambry Variant Classification Scheme 2023. Collection method: clinical testing. Allele origin: germline.
Comment: Unlikely to be causative of OPA1-related optic atrophy and optic atrophy plus syndrome (AD) Based on insufficient or conflicting evidence, the clinical significance of this alteration remains unclear.